The following is an entry in ClinVar:

ClinVar aggregate classification (germline): Pathogenic/Likely pathogenic. Review status: criteria provided, multiple submitters, no conflicts (2 of 4 stars). 4 submissions from 4 submitters: Pathogenic (3); Likely pathogenic (1). Last evaluated 2025-01-08.

Conditions:
Familial adenomatous polyposis 4 (FAP4). Also called: MSH3-related attenuated familial adenomatous polyposis. Identifiers: Orphanet 480536, MedGen C4310719, MONDO:0044300, OMIM 617100.
Endometrial carcinoma. Also called: Endometrial carcinoma, somatic. Identifiers: MedGen C0476089, MONDO:0002447, OMIM 608089, HP:0012114.
Hereditary cancer-predisposing syndrome. Also called: Neoplastic Syndromes, Hereditary; Tumor predisposition; Hereditary Cancer Syndrome; Hereditary neoplastic syndrome. Identifiers: Orphanet 140162, MedGen C0027672, MeSH D009386, MONDO:0015356.

Allele frequency attached by ClinVar (database versions not stated): gnomAD exomes 0.00001; TOPMed 0.00001.
gnomAD v4.1: 2 of 1,614,042 alleles (0.00012%); highest among the groups gnomAD compares: Admixed American, 0.0033%; no homozygotes.

Submissions (4):

Labcorp Genetics (formerly Invitae), Labcorp
Classification: Pathogenic. Last evaluated: 2025-01-08. Review status: criteria provided, single submitter. Criteria: Invitae Variant Classification Sherloc (09022015). Collection method: clinical testing. Allele origin: germline.
Comment: This sequence change creates a premature translational stop signal (p.Ser888*) in the MSH3 gene. It is expected to result in an absent or disrupted protein product. Loss-of-function variants in MSH3 are known to be pathogenic (PMID: 27476653, 37402566). This variant is present in population databases (no rsID available, gnomAD 0.006%). This variant has not been reported in the literature in individuals affected with MSH3-related conditions. ClinVar contains an entry for this variant (Variation ID: 649390). For these reasons, this variant has been classified as Pathogenic.

Ambry Genetics
Classification: Pathogenic for Hereditary cancer-predisposing syndrome. Last evaluated: 2024-08-28. Review status: criteria provided, single submitter. Criteria: Ambry Variant Classification Scheme 2023. Collection method: clinical testing. Allele origin: germline.
Comment: The p.S888* pathogenic mutation (also known as c.2663C>G), located in coding exon 20 of the MSH3 gene, results from a C to G substitution at nucleotide position 2663. This changes the amino acid from a serine to a stop codon within coding exon 20. This alteration is expected to result in loss of function by premature protein truncation or nonsense-mediated mRNA decay. As such, this alteration is interpreted as a disease-causing mutation.

Myriad Genetics, Inc.
Classification: Pathogenic for Familial adenomatous polyposis 4. Last evaluated: 2023-02-07. Review status: criteria provided, single submitter. Criteria: Myriad Autosomal Dominant, Autosomal Recessive and X-Linked Classification Criteria (2023). Collection method: clinical testing. Allele origin: unknown.
Comment: This variant is considered pathogenic. This variant creates a termination codon and is predicted to result in premature protein truncation.

Baylor Genetics
Classification: Likely pathogenic for Endometrial carcinoma. Last evaluated: 2022-10-19. Review status: criteria provided, single submitter. Criteria: ACMG Guidelines, 2015. Collection method: clinical testing. Allele origin: unknown.

Literature cited by the submitters: PubMed 27476653 (cited by Labcorp Genetics (formerly Invitae), Labcorp); PubMed 37402566 (cited by Labcorp Genetics (formerly Invitae), Labcorp).

NM_002439.5(MSH3):c.2663C>G (p.Ser888Ter)

Gene: MSH3 (mutS homolog 3; plus strand). Cytogenetic location: 5q14.1.
Variant type: single nucleotide variant.
Coding change: c.2663C>G on transcript NM_002439.5 (MANE Select); coding-DNA position 2663, C replaced by G.
Protein change: p.Ser888Ter; replaces serine 888 with a stop codon.
Molecular consequence: nonsense.
Genome position (GRCh38, 1-based): chr5:80,813,591, C>G. VCF-style: chr5-80813591-C-G. GRCh37 (hg19) VCF-style: chr5-80109410-C-G.
Other names: short protein forms S888*.
Identifiers: ClinVar variation 649390 (VCV000649390.13), dbSNP rs1561486630, ClinGen allele CA360273818.
Genomic context (GRCh38, chr5:80,813,591, plus strand): 5'-TATTATCAAAAACTTTTCTGGTACAATAAGTGAAATTCCTTTCTAATTTTCAGGAGGACT[C>G]AGAGAGAGTAATGATAATTACCGGACCAAACATGGGTGGAAAGAGCTCCTACATAAAACA-3'